The following is an entry in ClinVar:

ClinVar aggregate classification (germline): Benign. Review status: criteria provided, multiple submitters, no conflicts (2 of 4 stars). 2 submissions from 2 submitters: Benign (2). Last evaluated 2018-01-13.

Conditions:
Acrodysostosis 2 with or without hormone resistance. Also called: ACRODYSOSTOSIS 2 WITH HORMONE RESISTANCE; ACRODYSOSTOSIS 2 WITHOUT HORMONE RESISTANCE. Identifiers: Orphanet 280651, MedGen C3553250, MONDO:0013822, OMIM 614613.

Allele frequency attached by ClinVar (database versions not stated): gnomAD exomes 0.14286; TOPMed 0.15645; 1000 Genomes Project 0.16094; gnomAD 0.16112 and 0.16137; 1000 Genomes Project 30x 0.16505.
gnomAD v4.1: 24,464 of 152,202 alleles (16%); highest among the groups gnomAD compares: Admixed American, 19%; 2,100 homozygotes.

Submissions (2):

Illumina Laboratory Services, Illumina
Classification: Benign for Acrodysostosis 2 with or without hormone resistance. Last evaluated: 2018-01-13. Review status: criteria provided, single submitter. Criteria: ICSL Variant Classification Criteria 13 December 2019. Collection method: clinical testing. Allele origin: germline.
Comment: This variant was observed in the ICSL laboratory as part of a predisposition screen in an ostensibly healthy population. It had not been previously curated by ICSL or reported in the Human Gene Mutation Database (HGMD: prior to June 1st, 2018), and was therefore a candidate for classification through an automated scoring system. Utilizing variant allele frequency, disease prevalence and penetrance estimates, and inheritance mode, an automated score was calculated to assess if this variant is too frequent to cause the disease. Based on the score and internal cut-off values, a variant classified as benign is not then subjected to further curation. The score for this variant resulted in a classification of benign for this disease.

Breakthrough Genomics
Classification: Benign. Review status: criteria provided, single submitter. Criteria: ACMG Guidelines, 2015. Collection method: not provided. Allele origin: germline. Inheritance: Autosomal dominant inheritance. Affected: yes.

NM_001104631.2(PDE4D):c.*5260T>C

Gene: PDE4D (phosphodiesterase 4D; minus strand). Cytogenetic location: 5q11.2.
Variant type: single nucleotide variant.
Coding change: c.*5260T>C on transcript NM_001104631.2 (MANE Select); 5260 bases downstream of the stop codon, T replaced by C.
Molecular consequence: 3 prime UTR variant.
Genome position (GRCh38, 1-based): chr5:58,969,404, A>G on the plus strand (T>C on the coding strand, the complement: PDE4D is on the minus strand). VCF-style: chr5-58969404-A-G. GRCh37 (hg19) VCF-style: chr5-58265231-A-G.
Other names: c.*5260T>C (NM_001165899.2, NM_001197218.2, NM_001197219.2 and 11 more transcripts).
Identifiers: ClinVar variation 353910 (VCV000353910.6), dbSNP rs11950492, ClinGen allele CA10620598.